The following is an entry in ClinVar:

ClinVar aggregate classification (germline): Pathogenic/Likely pathogenic. Review status: criteria provided, multiple submitters, no conflicts (2 of 4 stars). 2 submissions from 2 submitters: Pathogenic (1); Likely pathogenic (1). Last evaluated 2023-10-22.

Conditions:
TH-deficient dopa-responsive dystonia. Also called: Tyrosine Hydroxylase-Deficient Dopa-Responsive Dystonia; Segawa syndrome, autosomal recessive; DYT-TH. Identifiers: Orphanet 101150, MedGen C2673535, MONDO:0011551, OMIM 605407.

Submissions (2):

Labcorp Genetics (formerly Invitae), Labcorp
Classification: Pathogenic for TH-deficient dopa-responsive dystonia. Last evaluated: 2023-10-22. Review status: criteria provided, single submitter. Criteria: Invitae Variant Classification Sherloc (09022015). Collection method: clinical testing. Allele origin: germline.
Comment: This sequence change creates a premature translational stop signal (p.Glu297Leufs*62) in the TH gene. It is expected to result in an absent or disrupted protein product. Loss-of-function variants in TH are known to be pathogenic (PMID: 22264700, 24753243). This variant is not present in population databases (gnomAD no frequency). This variant has not been reported in the literature in individuals affected with TH-related conditions. For these reasons, this variant has been classified as Pathogenic.

Baylor Genetics
Classification: Likely pathogenic for TH-deficient dopa-responsive dystonia. Last evaluated: 2023-07-12. Review status: criteria provided, single submitter. Criteria: ACMG Guidelines, 2015. Collection method: clinical testing. Allele origin: unknown.

Literature cited by the submitters: PubMed 22264700 (cited by Labcorp Genetics (formerly Invitae), Labcorp); PubMed 24753243 (cited by Labcorp Genetics (formerly Invitae), Labcorp).

NM_000360.4(TH):c.789_795dup (p.Glu266fs)

Gene: TH (tyrosine hydroxylase; minus strand). Cytogenetic location: 11p15.5.
Variant type: Duplication.
Coding change: c.789_795dup on transcript NM_000360.4 (MANE Select); coding-DNA positions 789 to 795, 7 bases duplicated (CTACCGG; older notation c.789_795dupCTACCGG).
Protein change: p.Glu266fs; shifts the reading frame from glutamic acid 266.
Molecular consequence: frameshift variant.
Genome position (GRCh38, 1-based): chr11:2,166,933-2,166,939, CCGGTAG duplicated on the plus strand (CTACCGG on the coding strand, the reverse complement: TH is on the minus strand); duplicating any 7 consecutive bases within chr11:2,166,933-2,166,942 gives the same sequence; the c. name uses the placement nearest the transcript's 3' end. VCF-style (leftmost placement, unchanged base first): chr11-2166932-C-CCCGGTAG. GRCh37 (hg19) VCF-style: chr11-2188162-C-CCCGGTAG.
Other names: c.870_876dup, p.Glu293fs (NM_199293.3); c.882_888dup, p.Glu297fs (NM_199292.3); c.882_888dup (NM_199292.2); short protein forms E266fs, E293fs, E297fs.
Identifiers: ClinVar variation 2679203 (VCV002679203.4), dbSNP rs2495805517, ClinGen allele CA2695201060.